The following is an entry in ClinVar:

NM_003356.4(UCP3):c.574G>A (p.Val192Ile)

Genes: UCP3 (uncoupling protein 3; minus strand), LOC126861261 (MED14-independent group 3 enhancer GRCh37_chr11:73715060-73716259; plus strand). Cytogenetic location: 11q13.4.
Variant type: single nucleotide variant.
Coding change: c.574G>A on transcript NM_003356.4 (MANE Select); coding-DNA position 574, G replaced by A.
Protein change: p.Val192Ile; replaces valine 192 with isoleucine.
Molecular consequence: missense variant.
Genome position (GRCh38, 1-based): chr11:74,004,553, C>T on the plus strand (G>A on the coding strand, the complement: UCP3 is on the minus strand). VCF-style: chr11-74004553-C-T. GRCh37 (hg19) VCF-style: chr11-73715598-C-T.
Other names: c.574G>A, p.Val192Ile (NM_022803.3); short protein forms V192I.
Identifiers: ClinVar variation 4980352 (VCV004980352.1).

ClinVar aggregate classification (germline): Uncertain significance (1 of 4 stars; one submission).

Conditions:
UCP3-related disorder. Also called: UCP3-related condition.

gnomAD v4.1: 61 of 1,613,830 alleles (0.0038%); highest among the groups gnomAD compares: Middle Eastern, 0.083%; 1 homozygote.

Submission:

PreventionGenetics, part of Exact Sciences
Classification: Uncertain significance for UCP3-related condition. Last evaluated: 2026-03-10. Review status: criteria provided, single submitter. Criteria: ACMG Guidelines, 2015. Collection method: clinical testing. Allele origin: germline.
Comment: The UCP3 c.574G>A variant is predicted to result in the amino acid substitution p.Val192Ile. This variant was reported in an individual with early-onset severe childhood obesity and in vitro functional studies showed that this variant results in decreased protein activity to 45% of wild type (Musa et al. 2012. PubMed ID: 21544083) This variant is reported in 0.0065% of alleles in individuals of South Asian descent in gnomAD. Although we suspect that this variant may be pathogenic, at this time, the clinical significance of this variant is uncertain due to the absence of conclusive functional and genetic evidence.